The following is an entry in ClinVar:

NM_005559.4(LAMA1):c.7779-13A>G

Genes: LAMA1 (laminin subunit alpha 1; minus strand), LOC126862685 (BRD4-independent group 4 enhancer GRCh37_chr18:6958646-6959845; plus strand). Cytogenetic location: 18p11.31.
Variant type: single nucleotide variant.
Coding change: c.7779-13A>G on transcript NM_005559.4 (MANE Select); 13 bases into the intron before coding-DNA position 7779, A replaced by G.
Molecular consequence: intron variant.
Genome position (GRCh38, 1-based): chr18:6,958,675, T>C on the plus strand (A>G on the coding strand, the complement: LAMA1 is on the minus strand). VCF-style: chr18-6958675-T-C. GRCh37 (hg19) VCF-style: chr18-6958674-T-C.
Identifiers: ClinVar variation 1804770 (VCV001804770.2), dbSNP rs765619817, ClinGen allele CA8880780.

ClinVar aggregate classification (germline): Conflicting classifications of pathogenicity. Review status: criteria provided, conflicting classifications (1 of 4 stars). 2 submissions from 2 submitters: Uncertain significance (1); Likely benign (1). Last evaluated 2025-02-13.

Allele frequency attached by ClinVar (database versions not stated): gnomAD 0.00001; gnomAD exomes 0.00001; TOPMed 0.00001; ExAC 0.00002.
gnomAD v4.1: 11 of 1,603,290 alleles (0.00069%); highest among the groups gnomAD compares: African/African-American, 0.0013%; no homozygotes.

Submissions (2):

Labcorp Genetics (formerly Invitae), Labcorp
Classification: Likely benign. Last evaluated: 2025-02-13. Review status: criteria provided, single submitter. Criteria: Invitae Variant Classification Sherloc (09022015). Collection method: clinical testing. Allele origin: germline.

Women's Health and Genetics/Laboratory Corporation of America, LabCorp
Classification: Uncertain significance. Last evaluated: 2022-11-01. Review status: criteria provided, single submitter. Criteria: LabCorp Variant Classification Summary - May 2015. Collection method: clinical testing. Allele origin: germline.
Comment: Variant summary: LAMA1 c.7779-13A>G alters a non-conserved nucleotide located close to a canonical splice site and therefore could affect mRNA splicing, leading to a significantly altered protein sequence. 4/4 computational tools predict no significant impact on normal splicing. However, these predictions have yet to be confirmed by functional studies. The variant allele was found at a frequency of 8e-06 in 250970 control chromosomes (gnomAD). The available data on variant occurrences in the general population are insufficient to allow any conclusion about variant significance. To our knowledge, no occurrence of c.7779-13A>G in individuals affected with Ataxia-Intellectual Disability-Oculomotor Apraxia-Cerebellar Cysts Syndrome and no experimental evidence demonstrating its impact on protein function have been reported. No clinical diagnostic laboratories have submitted clinical-significance assessments for this variant to ClinVar after 2014. Based on the evidence outlined above, the variant was classified as uncertain significance.